The following is an entry in ClinVar:

NM_199242.3(UNC13D):c.1730A>C (p.Asp577Ala)

Gene: UNC13D (unc-13 homolog D; minus strand). Cytogenetic location: 17q25.1.
Variant type: single nucleotide variant.
Coding change: c.1730A>C on transcript NM_199242.3 (MANE Select); coding-DNA position 1730, A replaced by C.
Protein change: p.Asp577Ala; replaces aspartic acid 577 with alanine.
Molecular consequence: missense variant.
Genome position (GRCh38, 1-based): chr17:75,835,527, T>G on the plus strand (A>C on the coding strand, the complement: UNC13D is on the minus strand). VCF-style: chr17-75835527-T-G. GRCh37 (hg19) VCF-style: chr17-73831608-T-G.
Other names: short protein forms D577A.
Identifiers: ClinVar variation 850877 (VCV000850877.8), dbSNP rs1011649256, ClinGen allele CA294086746.

ClinVar aggregate classification (germline): Uncertain significance (1 of 4 stars; one submission).

Conditions:
Familial hemophagocytic lymphohistiocytosis 3 (FHL3). Also called: UNC13D-Related Familial Hemophagocytic Lymphohistiocytosis (UNC13D-fHLH). Identifiers: Orphanet 540, MedGen C1837174, MONDO:0012146, OMIM 608898.

Allele frequency attached by ClinVar (database versions not stated): TOPMed below 0.00001; gnomAD 0.00003.

Submission:

Labcorp Genetics (formerly Invitae), Labcorp
Classification: Uncertain significance for Familial hemophagocytic lymphohistiocytosis 3. Last evaluated: 2019-12-17. Review status: criteria provided, single submitter. Criteria: Invitae Variant Classification Sherloc (09022015). Collection method: clinical testing. Allele origin: germline.
Comment: This sequence change replaces aspartic acid with alanine at codon 577 of the UNC13D protein (p.Asp577Ala). The aspartic acid residue is weakly conserved and there is a moderate physicochemical difference between aspartic acid and alanine. This variant is not present in population databases (ExAC no frequency). This variant has not been reported in the literature in individuals with UNC13D-related conditions. Algorithms developed to predict the effect of missense changes on protein structure and function (SIFT, PolyPhen-2, Align-GVGD) all suggest that this variant is likely to be tolerated, but these predictions have not been confirmed by published functional studies and their clinical significance is uncertain. In summary, the available evidence is currently insufficient to determine the role of this variant in disease. Therefore, it has been classified as a Variant of Uncertain Significance.